The following is an entry in ClinVar:

ClinVar aggregate classification (germline): Likely benign. Review status: criteria provided, multiple submitters, no conflicts (2 of 4 stars). 3 submissions from 3 submitters: Likely benign (3). Last evaluated 2026-05-11.

Conditions:
Neurofibromatosis, type 1 (NF1). Also called: Neurofibromatosis, type I; NEUROFIBROMATOSIS, TYPE I, SOMATIC; VON RECKLINGHAUSEN DISEASE; Peripheral type neurofibromatosis. Identifiers: Orphanet 636, MedGen C0027831, MONDO:0018975, OMIM 162200. Disease mechanism: loss of function.

Allele frequency attached by ClinVar (database versions not stated): gnomAD exomes below 0.00001; ExAC 0.00001; TOPMed 0.00002; gnomAD 0.00001.
gnomAD v4.1: 9 of 1,613,476 alleles (0.00056%); highest among the groups gnomAD compares: African/African-American, 0.0093%; no homozygotes.

Submissions (3):

Myriad Genetics, Inc.
Classification: Likely benign for Neurofibromatosis, type 1. Last evaluated: 2026-05-11. Review status: criteria provided, single submitter. Criteria: Myriad Autosomal Dominant, Autosomal Recessive and X-Linked Classification Criteria (2023). Collection method: clinical testing. Allele origin: unknown.
Comment: This variant is considered likely benign. This variant is intronic and is not expected to impact mRNA splicing.

Labcorp Genetics (formerly Invitae), Labcorp
Classification: Likely benign for Neurofibromatosis, type 1. Last evaluated: 2026-01-06. Review status: criteria provided, single submitter. Criteria: Invitae Variant Classification Sherloc (09022015). Collection method: clinical testing. Allele origin: germline.

Women's Health and Genetics/Laboratory Corporation of America, LabCorp
Classification: Likely benign. Last evaluated: 2025-04-28. Review status: criteria provided, single submitter. Criteria: LabCorp Variant Classification Summary - May 2015. Collection method: clinical testing. Allele origin: germline.

NM_001042492.3(NF1):c.1392+7T>C

Gene: NF1 (neurofibromin 1; plus strand). Cytogenetic location: 17q11.2.
Variant type: single nucleotide variant.
Coding change: c.1392+7T>C on transcript NM_001042492.3 (MANE Select); 7 bases into the intron after coding-DNA position 1392, T replaced by C.
Molecular consequence: intron variant.
Genome position (GRCh38, 1-based): chr17:31,206,378, T>C. VCF-style: chr17-31206378-T-C. GRCh37 (hg19) VCF-style: chr17-29533396-T-C.
Other names: c.1392+7T>C (NM_000267.4, NM_001128147.3).
Identifiers: ClinVar variation 220921 (VCV000220921.14), dbSNP rs773017698, ClinGen allele CA348027.
Genomic context (GRCh38, chr17:31,206,378, plus strand): 5'-CTTCATAAAGCAGTGCAAGGTTGTGGAGCACACCCAGCAATACGAATGGCACCGGTAAGA[T>C]AAATCACGAATTTTGAATCTCACCTCCTTTCTATTGCATTTTTTTTAGTGTCTTTATCCT-3'